The following is an entry in ClinVar:

ClinVar aggregate classification (germline): Likely pathogenic (1 of 4 stars; one submission).

Conditions:
ADNP-related multiple congenital anomalies - intellectual disability - autism spectrum disorder. Also called: Helsmoortel-Van der Aa Syndrome; ADNP-Related Helsmoortel-Van der Aa Syndrome. Identifiers: Orphanet 404448, MedGen C4014538, MONDO:0014379, OMIM 615873. Disease mechanism: loss of function.

Submission:

Laboratorio de Genetica e Diagnostico Molecular, Hospital Israelita Albert Einstein
Classification: Likely pathogenic for ADNP-related multiple congenital anomalies - intellectual disability - autism spectrum disorder. Last evaluated: 2022-07-01. Review status: criteria provided, single submitter. Criteria: ACMG Guidelines, 2015. Collection method: clinical testing. Allele origin: germline. Affected: yes. Observed: 1 variant allele.
Comment: ACMG classification criteria: PVS1 very strong, PM2 moderated

NM_001282531.3(ADNP):c.833dup (p.Lys279fs)

Gene: ADNP (activity dependent neuroprotector homeobox; minus strand). Cytogenetic location: 20q13.13.
Variant type: Duplication.
Coding change: c.833dup on transcript NM_001282531.3 (MANE Select); coding-DNA position 833, one base duplicated (A; older notation c.833dupA).
Protein change: p.Lys279fs; shifts the reading frame from lysine 279.
Molecular consequence: frameshift variant.
Genome position (GRCh38, 1-based): chr20:50,893,881, T duplicated on the plus strand (A on the coding strand, the reverse complement: ADNP is on the minus strand); the first of 2 consecutive T bases (chr20:50,893,881-50,893,882); duplicating either gives the same sequence. VCF-style (leftmost placement, unchanged base first): chr20-50893880-C-CT. GRCh37 (hg19) VCF-style: chr20-49510417-C-CT.
Other names: c.833dup, p.Lys279fs (NM_001282532.2, NM_001347511.2, NM_015339.5 and 1 more transcripts); short protein forms K279fs.
Identifiers: ClinVar variation 2431381 (VCV002431381.1), dbSNP rs2515589298, ClinGen allele CA2580098334.